The following is an entry in ClinVar:

NM_004714.3(DYRK1B):c.1294C>T (p.Arg432Cys)

Gene: DYRK1B (dual specificity tyrosine phosphorylation regulated kinase 1B; minus strand). Cytogenetic location: 19q13.2.
Variant type: single nucleotide variant.
Coding change: c.1294C>T on transcript NM_004714.3 (MANE Select); coding-DNA position 1294, C replaced by T.
Protein change: p.Arg432Cys; replaces arginine 432 with cysteine.
Molecular consequence: missense variant.
Genome position (GRCh38, 1-based): chr19:39,826,789, G>A on the plus strand (C>T on the coding strand, the complement: DYRK1B is on the minus strand). VCF-style: chr19-39826789-G-A. GRCh37 (hg19) VCF-style: chr19-40317429-G-A.
Other names: c.1294C>T (NM_004714.2); c.1174C>T, p.Arg392Cys (NM_006483.3); c.1210C>T, p.Arg404Cys (NM_006484.3); short protein forms R432C, R392C, R404C.
Identifiers: ClinVar variation 4015702 (VCV004015702.2).

ClinVar aggregate classification (germline): Uncertain significance. Review status: criteria provided, multiple submitters, no conflicts (2 of 4 stars). 2 submissions from 2 submitters: Uncertain significance (2). Last evaluated 2026-09-14.

Conditions:
Inborn genetic diseases. Identifiers: MedGen C0950123, MeSH D030342.
DYRK1B-related disorder. Also called: DYRK1B-related condition.

Submissions (2):

PreventionGenetics, part of Exact Sciences
Classification: Uncertain significance for DYRK1B-related condition. Last evaluated: 2026-09-14. Review status: criteria provided, single submitter. Criteria: ACMG Guidelines, 2015. Collection method: clinical testing. Allele origin: germline.
Comment: The DYRK1B c.1294C>T variant is predicted to result in the amino acid substitution p.Arg432Cys. To our knowledge, this variant has not been reported in the literature or in a large population database (gnomAD), indicating this variant is rare. At this time, the clinical significance of this variant is uncertain due to the absence of conclusive functional and genetic evidence.

Ambry Genetics
Classification: Uncertain significance for Inborn genetic diseases. Last evaluated: 2025-05-29. Review status: criteria provided, single submitter. Criteria: Ambry Variant Classification Scheme 2023. Collection method: clinical testing. Allele origin: germline.